The following is an entry in ClinVar:

NM_000642.3(AGL):c.566A>G (p.Asn189Ser)

Gene: AGL (amylo-alpha-1,6-glucosidase and 4-alpha-glucanotransferase; plus strand). Cytogenetic location: 1p21.2.
Variant type: single nucleotide variant.
Coding change: c.566A>G on transcript NM_000642.3 (MANE Select); coding-DNA position 566, A replaced by G.
Protein change: p.Asn189Ser; replaces asparagine 189 with serine.
Molecular consequence: missense variant.
Genome position (GRCh38, 1-based): chr1:99,864,491, A>G. VCF-style: chr1-99864491-A-G. GRCh37 (hg19) VCF-style: chr1-100330047-A-G.
Other names: c.566A>G, p.Asn189Ser (NM_000028.3, NM_000643.3, NM_000644.3 and 3 more transcripts); c.518A>G, p.Asn173Ser (NM_000646.3); c.188A>G, p.Asn63Ser (NM_001425332.1); short protein forms N173S, N189S, N63S.
Identifiers: ClinVar variation 643859 (VCV000643859.6), dbSNP rs1571232301, ClinGen allele CA341335850.

ClinVar aggregate classification (germline): Uncertain significance (1 of 4 stars; one submission).

Conditions:
Glycogen storage disease type III (GSD3). Also called: FORBES DISEASE; Cori disease. Identifiers: Orphanet 366, MedGen C0017922, MONDO:0009291, OMIM 232400.

gnomAD v4.1: 1 of 1,613,884 alleles (0.000062%); no homozygotes.

Submission:

Labcorp Genetics (formerly Invitae), Labcorp
Classification: Uncertain significance for Glycogen storage disease type III. Last evaluated: 2021-08-27. Review status: criteria provided, single submitter. Criteria: Invitae Variant Classification Sherloc (09022015). Collection method: clinical testing. Allele origin: germline.
Comment: This sequence change replaces asparagine with serine at codon 189 of the AGL protein (p.Asn189Ser). The asparagine residue is weakly conserved and there is a small physicochemical difference between asparagine and serine. This variant is not present in population databases (ExAC no frequency). This variant has not been reported in the literature in individuals affected with AGL-related conditions. Algorithms developed to predict the effect of missense changes on protein structure and function output the following: SIFT: "Tolerated"; PolyPhen-2: "Benign"; Align-GVGD: "Class C0". The serine amino acid residue is found in multiple mammalian species, which suggests that this missense change does not adversely affect protein function. In summary, the available evidence is currently insufficient to determine the role of this variant in disease. Therefore, it has been classified as a Variant of Uncertain Significance.